The following is an entry in ClinVar:

NM_001163560.3(MEIOB):c.634G>A (p.Asp212Asn)

Gene: MEIOB (meiosis specific with OB-fold; minus strand). Cytogenetic location: 16p13.3.
Variant type: single nucleotide variant.
Coding change: c.634G>A on transcript NM_001163560.3 (MANE Select); coding-DNA position 634, G replaced by A.
Protein change: p.Asp212Asn; replaces aspartic acid 212 with asparagine.
Molecular consequence: missense variant.
Genome position (GRCh38, 1-based): chr16:1,853,267, C>T on the plus strand (G>A on the coding strand, the complement: MEIOB is on the minus strand). VCF-style: chr16-1853267-C-T. GRCh37 (hg19) VCF-style: chr16-1903268-C-T.
Other names: c.634G>A, p.Asp212Asn (NM_152764.3); short protein forms D212N.
Identifiers: ClinVar variation 791645 (VCV000791645.29), dbSNP rs62617828, ClinGen allele CA7821925.

ClinVar aggregate classification (germline): Benign/Likely benign. Review status: criteria provided, multiple submitters, no conflicts (2 of 4 stars). 4 submissions from 4 submitters: Benign (3); Likely benign (1). Last evaluated 2025-08-18.

Allele frequency attached by ClinVar (database versions not stated): 1000 Genomes Project 0.00220; 1000 Genomes Project 30x 0.00234; ExAC 0.00739; gnomAD exomes 0.00811 and 0.01174; TOPMed 0.00839; gnomAD 0.00886 and 0.00909.
gnomAD v4.1: 17,610 of 1,547,254 alleles (1.1%); highest among the groups gnomAD compares: Non-Finnish European, 1.4%; 144 homozygotes.

Submissions (4):

Genomic Medicine Center of Excellence, King Faisal Specialist Hospital and Research Centre
Classification: Likely benign. Last evaluated: 2025-08-18. Review status: criteria provided, single submitter. Criteria: ACMG Guidelines, 2015. Collection method: clinical testing. Allele origin: germline.

CeGaT Center for Human Genetics Tuebingen
Classification: Benign. Last evaluated: 2022-12-01. Review status: criteria provided, single submitter. Criteria: CeGaT Center For Human Genetics Tuebingen Variant Classification Criteria Version 2. Collection method: clinical testing. Allele origin: germline. Affected: yes. Observed: 2 variant alleles.
Comment: MEIOB: BS1, BS2

Labcorp Genetics (formerly Invitae), Labcorp
Classification: Benign. Last evaluated: 2018-09-13. Review status: criteria provided, single submitter. Criteria: Invitae Variant Classification Sherloc (09022015). Collection method: clinical testing. Allele origin: germline.

Breakthrough Genomics
Classification: Benign. Review status: criteria provided, single submitter. Criteria: ACMG Guidelines, 2015. Collection method: not provided. Allele origin: germline. Inheritance: Autosomal recessive inheritance. Affected: yes.